The following is an entry in ClinVar:

ClinVar aggregate classification (germline): Benign/Likely benign. Review status: criteria provided, multiple submitters, no conflicts (2 of 4 stars). 4 submissions from 4 submitters: Benign (2); Likely benign (2). Last evaluated 2026-02-01.

Conditions:
Autosomal dominant Kenny-Caffey syndrome. Also called: Kenny-Caffey syndrome type 2. Identifiers: Orphanet 2333, Orphanet 93325, MedGen C4316787, MONDO:0007478, OMIM 127000.
Osteocraniostenosis (GCLEB). Also called: Osteocraniostenosis (Gracile Bone Dysplasia); HABRODYSPLASIA; OSTEOCRANIOSPLENIC SYNDROME. Identifiers: Orphanet 2763, MedGen C1865639, MONDO:0011215, OMIM 602361.

Allele frequency attached by ClinVar (database versions not stated): TOPMed 0.00033; ESP Exome Variant Server 0.00054; gnomAD exomes 0.00057 and 0.00116; 1000 Genomes Project 0.00060; 1000 Genomes Project 30x 0.00062; ExAC 0.00115; gnomAD 0.00125 and 0.00128.
gnomAD v4.1: 1,011 of 1,613,876 alleles (0.063%); highest among the groups gnomAD compares: Non-Finnish European, 0.035%; 5 homozygotes.

Submissions (4):

CeGaT Center for Human Genetics Tuebingen
Classification: Likely benign. Last evaluated: 2026-02-01. Review status: criteria provided, single submitter. Criteria: CeGaT Center For Human Genetics Tuebingen Variant Classification Criteria Version 2. Collection method: clinical testing. Allele origin: germline. Affected: yes. Observed: 1 variant allele.
Comment: FAM111A: BP4, BP7

Labcorp Genetics (formerly Invitae), Labcorp
Classification: Benign. Last evaluated: 2026-01-12. Review status: criteria provided, single submitter. Criteria: Invitae Variant Classification Sherloc (09022015). Collection method: clinical testing. Allele origin: germline.

Blueprint Genetics
Classification: Likely benign. Last evaluated: 2024-11-08. Review status: criteria provided, single submitter. Criteria: ACMG Guidelines, 2015. Collection method: clinical testing. Allele origin: germline.

Fulgent Genetics
Classification: Benign for Autosomal dominant Kenny-Caffey syndrome; Osteocraniostenosis. Last evaluated: 2021-10-18. Review status: criteria provided, single submitter. Criteria: ACMG Guidelines, 2015. Collection method: clinical testing. Allele origin: unknown.

NM_001312909.2(FAM111A):c.1758G>A (p.Lys586=)

Gene: FAM111A (FAM111 trypsin like peptidase A; plus strand). Cytogenetic location: 11q12.1.
Variant type: single nucleotide variant.
Coding change: c.1758G>A on transcript NM_001312909.2 (MANE Select); coding-DNA position 1758, G replaced by A.
Protein change: p.Lys586=; no amino-acid change (lysine 586 retained).
Molecular consequence: synonymous variant.
Genome position (GRCh38, 1-based): chr11:59,153,426, G>A. VCF-style: chr11-59153426-G-A. GRCh37 (hg19) VCF-style: chr11-58920899-G-A.
Other names: c.1758G>A, p.Lys586= (NM_001142519.3, NM_001142520.3, NM_001142521.3 and 29 more transcripts).
Identifiers: ClinVar variation 708105 (VCV000708105.16), dbSNP rs144353692, ClinGen allele CA6016833.
Genomic context (GRCh38, chr11:59,153,426, plus strand): 5'-TGAGACTCGTAGTATCATTGAGTTTGGCTCTACCATGGAATCCATCCTCCTTGATATTAA[G>A]CAAAGACATAAACCATGGTATGAAGAAGTATTTGTAAATCAGCAGGATGTAGAAATGATG-3'
Protein context (NP_001299838.1, residues 576-596): STMESILLDI[Lys586=]QRHKPWYEEV